The following is an entry in ClinVar:

NM_014905.5(GLS):c.736-3T>A

Gene: GLS (glutaminase; plus strand). Cytogenetic location: 2q32.2.
Variant type: single nucleotide variant.
Coding change: c.736-3T>A on transcript NM_014905.5 (MANE Select); 3 bases into the intron before coding-DNA position 736, T replaced by A.
Molecular consequence: intron variant.
Genome position (GRCh38, 1-based): chr2:190,901,944, T>A. VCF-style: chr2-190901944-T-A. GRCh37 (hg19) VCF-style: chr2-191766670-T-A.
Other names: NC_000002.11:g.191766670T>A; c.736-3T>A (NM_001437282.1, NM_001437283.1, NM_001256310.2).
Identifiers: ClinVar variation 4083529 (VCV004083529.9).

ClinVar aggregate classification (germline): Uncertain significance (1 of 4 stars; one submission).

gnomAD v4.1: 473 of 1,574,840 alleles (0.03%); highest among the groups gnomAD compares: Non-Finnish European, 0.036%; no homozygotes.

Submissions (3):

CeGaT Center for Human Genetics Tuebingen
Classification: Uncertain significance. Last evaluated: 2025-06-01. Review status: criteria provided, single submitter. Criteria: CeGaT Center For Human Genetics Tuebingen Variant Classification Criteria Version 2. Collection method: clinical testing. Allele origin: germline. Affected: yes. Observed: 1 variant allele.
Comment: GLS: PM2, BP4

Dr. Peter K. Rogan Lab, Western University
No classification provided (evidence only). Condition: Clear cell carcinoma of kidney. Review status: no classification provided. Collection method: in vitro. Allele origin: not applicable. Functional consequence: retained intron. Not counted in ClinVar's aggregate classification.

Dr. Peter K. Rogan Lab, Western University
No classification provided (evidence only). Condition: Familial pancreatic carcinoma. Review status: no classification provided. Collection method: in vitro. Allele origin: not applicable. Functional consequence: retained intron. Not counted in ClinVar's aggregate classification.